The following is an entry in ClinVar:

NM_005876.5(SPEG):c.275G>T (p.Cys92Phe)

Gene: SPEG (striated muscle enriched protein kinase; plus strand). Cytogenetic location: 2q35.
Variant type: single nucleotide variant.
Coding change: c.275G>T on transcript NM_005876.5 (MANE Select); coding-DNA position 275, G replaced by T.
Protein change: p.Cys92Phe; replaces cysteine 92 with phenylalanine.
Molecular consequence: missense variant.
Genome position (GRCh38, 1-based): chr2:219,435,252, G>T. VCF-style: chr2-219435252-G-T. GRCh37 (hg19) VCF-style: chr2-220299974-G-T.
Other names: short protein forms C92F.
Identifiers: ClinVar variation 1307862 (VCV001307862.2), dbSNP rs941657395, ClinGen allele CA65993527.
Genomic context (GRCh38, chr2:219,435,252, plus strand): 5'-CCAGCCTCCGCTGGTTCCGGGATGGGCAGCTCCTGCCCGCGCCGGCCCCCGAGCCCAGCT[G>T]CCTGTGGCTGCGGCGCTGCGGGGCGCAGGACGCCGGCGTGTACAGCTGCATGGCCCAGAA-3'
Protein context (NP_005867.3, residues 82-102): LLPAPAPEPS[Cys92Phe]LWLRRCGAQD

ClinVar aggregate classification (germline): Uncertain significance (1 of 4 stars; one submission).

Allele frequency attached by ClinVar (database versions not stated): gnomAD 0.00001; gnomAD exomes 0.00001; TOPMed 0.00001.
gnomAD v4.1: 8 of 1,487,466 alleles (0.00054%); highest among the groups gnomAD compares: Non-Finnish European, 0.00071%; no homozygotes.

Submission:

GeneDx
Classification: Uncertain significance. Last evaluated: 2019-03-14. Review status: criteria provided, single submitter. Criteria: GeneDx Variant Classification Process June 2021. Collection method: clinical testing. Allele origin: germline. Affected: yes.
Comment: Not observed in large population cohorts (Lek et al., 2016); In silico analysis, which includes protein predictors and evolutionary conservation, supports a deleterious effect; Has not been previously published as pathogenic or benign to our knowledge